The following is an entry in ClinVar:

ClinVar aggregate classification (germline): Uncertain significance. Review status: criteria provided, multiple submitters, no conflicts (2 of 4 stars). 2 submissions from 2 submitters: Uncertain significance (2). Last evaluated 2024-02-25.

Conditions:
Hereditary nonpolyposis colorectal neoplasms. Identifiers: MedGen C0009405, MeSH D003123.
Endometrial carcinoma. Also called: Endometrial carcinoma, somatic. Identifiers: MedGen C0476089, MONDO:0002447, OMIM 608089, HP:0012114.

Submissions (2):

Baylor Genetics
Classification: Uncertain significance for Endometrial carcinoma. Last evaluated: 2024-02-25. Review status: criteria provided, single submitter. Criteria: ACMG Guidelines, 2015. Collection method: clinical testing. Allele origin: unknown.

Labcorp Genetics (formerly Invitae), Labcorp
Classification: Uncertain significance for Hereditary nonpolyposis colorectal neoplasms. Last evaluated: 2021-07-24. Review status: criteria provided, single submitter. Criteria: Invitae Variant Classification Sherloc (09022015). Collection method: clinical testing. Allele origin: germline.
Comment: In summary, the available evidence is currently insufficient to determine the role of this variant in disease. Therefore, it has been classified as a Variant of Uncertain Significance. Advanced modeling of protein sequence and biophysical properties (such as structural, functional, and spatial information, amino acid conservation, physicochemical variation, residue mobility, and thermodynamic stability) performed at Invitae indicates that this missense variant is not expected to disrupt MSH6 protein function. This variant has not been reported in the literature in individuals affected with MSH6-related conditions. This variant is not present in population databases (ExAC no frequency). This sequence change replaces glutamic acid with alanine at codon 877 of the MSH6 protein (p.Glu877Ala). The glutamic acid residue is weakly conserved and there is a moderate physicochemical difference between glutamic acid and alanine.

NM_000179.3(MSH6):c.2630A>C (p.Glu877Ala)

Gene: MSH6 (mutS homolog 6; plus strand). Cytogenetic location: 2p16.3.
Variant type: single nucleotide variant.
Coding change: c.2630A>C on transcript NM_000179.3 (MANE Select); coding-DNA position 2630, A replaced by C.
Protein change: p.Glu877Ala; replaces glutamic acid 877 with alanine.
Molecular consequence: missense variant.
Genome position (GRCh38, 1-based): chr2:47,800,613, A>C. VCF-style: chr2-47800613-A-C. GRCh37 (hg19) VCF-style: chr2-48027752-A-C.
Other names: c.2240A>C, p.Glu747Ala (NM_001281492.2); c.1724A>C, p.Glu575Ala (NM_001281493.2, NM_001281494.2); short protein forms E575A, E747A, E877A.
Identifiers: ClinVar variation 1472206 (VCV001472206.9), dbSNP rs1060502873, ClinGen allele CA346755071.